The following is an entry in ClinVar:

NM_002335.4(LRP5):c.486C>T (p.His162=)

Gene: LRP5 (LDL receptor related protein 5; plus strand). Cytogenetic location: 11q13.2.
Variant type: single nucleotide variant.
Coding change: c.486C>T on transcript NM_002335.4 (MANE Select); coding-DNA position 486, C replaced by T.
Protein change: p.His162=; no amino-acid change (histidine 162 retained).
Molecular consequence: synonymous variant. On other transcripts: 5 prime UTR variant (1).
Genome position (GRCh38, 1-based): chr11:68,348,241, C>T. VCF-style: chr11-68348241-C-T. GRCh37 (hg19) VCF-style: chr11-68115709-C-T.
Other names: c.-1280C>T (NM_001291902.2).
Identifiers: ClinVar variation 713758 (VCV000713758.14), dbSNP rs191882942, ClinGen allele CA6149007.

ClinVar aggregate classification (germline): Likely benign. Review status: criteria provided, multiple submitters, no conflicts (2 of 4 stars). 4 submissions from 4 submitters: Likely benign (3). 1 of the submissions does not count toward it. Last evaluated 2026-01-30.

Conditions:
LRP5-related disorder. Also called: LRP5-related condition.

Allele frequency attached by ClinVar (database versions not stated): ExAC 0.00007; gnomAD exomes 0.00018 and 0.00058; 1000 Genomes Project 0.00100; 1000 Genomes Project 30x 0.00109; TOPMed 0.00131; gnomAD 0.00136 and 0.00140.
gnomAD v4.1: 456 of 1,604,744 alleles (0.028%); highest among the groups gnomAD compares: Admixed American, 0.65%; 9 homozygotes.

Submissions (4):

Labcorp Genetics (formerly Invitae), Labcorp
Classification: Likely benign. Last evaluated: 2026-01-30. Review status: criteria provided, single submitter. Criteria: Invitae Variant Classification Sherloc (09022015). Collection method: clinical testing. Allele origin: germline.

Blueprint Genetics
Classification: Likely benign. Last evaluated: 2024-07-02. Review status: criteria provided, single submitter. Criteria: ACMG Guidelines, 2015. Collection method: clinical testing. Allele origin: germline.

Breakthrough Genomics
Classification: Likely benign. Review status: criteria provided, single submitter. Criteria: ACMG Guidelines, 2015. Collection method: not provided. Allele origin: germline. Inheritance: Autosomal recessive inheritance. Affected: yes.

PreventionGenetics, part of Exact Sciences
Classification: Likely benign for LRP5-related condition. Last evaluated: 2021-12-28. Review status: no assertion criteria provided. Collection method: clinical testing. Allele origin: germline. Not counted in ClinVar's aggregate classification.
Comment: This variant is classified as likely benign based on ACMG/AMP sequence variant interpretation guidelines (Richards et al. 2015 PMID: 25741868, with internal and published modifications).